The following is an entry in ClinVar:

ClinVar aggregate classification (germline): Likely pathogenic (1 of 4 stars; one submission).

Conditions:
Nemaline myopathy 2 (NEM2). Also called: Nemaline myopathy 2, autosomal recessive. Identifiers: MedGen C1850569, MONDO:0009725, OMIM 256030.

Submission:

Myriad Genetics, Inc.
Classification: Likely pathogenic for Nemaline myopathy 2. Last evaluated: 2022-03-14. Review status: criteria provided, single submitter. Criteria: Myriad Women's Health Autosomal Recessive and X-Linked Classification Criteria (2021). Collection method: clinical testing. Allele origin: unknown.
Comment: NM_001271208.1(NEB):c.21739A>T(K7247*) is expected to be pathogenic in the context of NEB-related nemaline myopathy. This variant is predicted to lead to an abnormal or absent protein product due to the creation of a premature termination codon in NEB, a gene where loss-of-function variants are known to be pathogenic. Please note: this variant was assessed in the context of healthy population screening.

NM_001164508.2(NEB):c.21634A>T (p.Lys7212Ter)

Genes: NEB (nebulin; minus strand), RIF1 (replication timing regulatory factor 1; plus strand). Cytogenetic location: 2q23.3.
Variant type: single nucleotide variant.
Coding change: c.21634A>T on transcript NM_001164508.2 (MANE Select); coding-DNA position 21634, A replaced by T.
Protein change: p.Lys7212Ter; replaces lysine 7212 with a stop codon.
Molecular consequence: nonsense.
Genome position (GRCh38, 1-based): chr2:151,529,311, T>A on the plus strand (A>T on the coding strand, the complement: NEB is on the minus strand). VCF-style: chr2-151529311-T-A. GRCh37 (hg19) VCF-style: chr2-152385825-T-A.
Other names: c.21634A>T, p.Lys7212Ter (NM_001164507.2); c.21739A>T, p.Lys7247Ter (NM_001271208.2); c.16531A>T, p.Lys5511Ter (NM_004543.5); short protein forms K5511*, K7212*, K7247*.
Identifiers: ClinVar variation 1725178 (VCV001725178.2), dbSNP rs2552136650, ClinGen allele CA348769986.